The following is an entry in ClinVar:

ClinVar aggregate classification (germline): Uncertain significance. Review status: criteria provided, single submitter (1 of 4 stars). 2 submissions from 2 submitters: Uncertain significance (1). 1 of the submissions does not count toward it. Last evaluated 2023-06-10.

Conditions:
Rubinstein-Taybi syndrome due to EP300 haploinsufficiency. Also called: RUBINSTEIN-TAYBI SYNDROME 2; EP300-Related Rubinstein-Taybi Syndrome. Identifiers: Orphanet 353284, Orphanet 783, MedGen C3150941, MONDO:0013364, OMIM 613684.

Allele frequency attached by ClinVar (database versions not stated): gnomAD exomes below 0.00001.
gnomAD v4.1: 2 of 1,614,190 alleles (0.00012%); highest among the groups gnomAD compares: Non-Finnish European, 0.00017%; no homozygotes.

Submissions (2):

Labcorp Genetics (formerly Invitae), Labcorp
Classification: Uncertain significance for Rubinstein-Taybi syndrome due to EP300 haploinsufficiency. Last evaluated: 2023-06-10. Review status: criteria provided, single submitter. Criteria: Invitae Variant Classification Sherloc (09022015). Collection method: clinical testing. Allele origin: germline.
Comment: In summary, the available evidence is currently insufficient to determine the role of this variant in disease. Therefore, it has been classified as a Variant of Uncertain Significance. Advanced modeling of protein sequence and biophysical properties (such as structural, functional, and spatial information, amino acid conservation, physicochemical variation, residue mobility, and thermodynamic stability) performed at Invitae indicates that this missense variant is not expected to disrupt EP300 protein function. ClinVar contains an entry for this variant (Variation ID: 134066). This variant has not been reported in the literature in individuals affected with EP300-related conditions. This variant is not present in population databases (gnomAD no frequency). This sequence change replaces serine, which is neutral and polar, with proline, which is neutral and non-polar, at codon 552 of the EP300 protein (p.Ser552Pro).

ITMI
No classification provided. Condition: AllHighlyPenetrant. Last evaluated: 2013-09-19. Review status: no classification provided. Collection method: reference population. Allele origin: germline. Not counted in ClinVar's aggregate classification.
Comment: Please see associated publication for description of ethnicities

Literature cited by the submitters: PubMed 24728327 (cited by ITMI).

NM_001429.4(EP300):c.1654T>C (p.Ser552Pro)

Gene: EP300 (EP300 lysine acetyltransferase; plus strand). Cytogenetic location: 22q13.2.
Variant type: single nucleotide variant.
Coding change: c.1654T>C on transcript NM_001429.4 (MANE Select); coding-DNA position 1654, T replaced by C.
Protein change: p.Ser552Pro; replaces serine 552 with proline.
Molecular consequence: missense variant.
Genome position (GRCh38, 1-based): chr22:41,137,684, T>C. VCF-style: chr22-41137684-T-C. GRCh37 (hg19) VCF-style: chr22-41533688-T-C.
Other names: c.1654T>C, p.Ser552Pro (NM_001362843.2); short protein forms S552P.
Identifiers: ClinVar variation 134066 (VCV000134066.4), dbSNP rs587778263, ClinGen allele CA158542.